The following is an entry in ClinVar:

ClinVar aggregate classification (germline): Uncertain significance. Review status: criteria provided, multiple submitters, no conflicts (2 of 4 stars). 2 submissions from 2 submitters: Uncertain significance (2). Last evaluated 2026-07-07.

Conditions:
Hereditary cancer-predisposing syndrome. Also called: Tumor predisposition; Hereditary Cancer Syndrome; Hereditary neoplastic syndrome; Neoplastic Syndromes, Hereditary. Identifiers: Orphanet 140162, MedGen C0027672, MeSH D009386, MONDO:0015356.
Familial cancer of breast. Also called: Hereditary breast cancer; BREAST CANCER, FAMILIAL; hereditary breast carcinoma. Identifiers: Orphanet 227535, MedGen C0346153, MONDO:0016419, OMIM 114480. Disease mechanism: loss of function.

Allele frequency attached by ClinVar (database versions not stated): gnomAD 0.00001.

Submissions (2):

Ambry Genetics
Classification: Uncertain significance for Hereditary cancer-predisposing syndrome. Last evaluated: 2026-07-07. Review status: criteria provided, single submitter. Criteria: Ambry Variant Classification Scheme 2023. Collection method: clinical testing. Allele origin: germline.
Comment: The p.G32C variant (also known as c.94G>T), located in coding exon 1 of the BARD1 gene, results from a G to T substitution at nucleotide position 94. The glycine at codon 32 is replaced by cysteine, an amino acid with highly dissimilar properties. This amino acid position is conserved. In addition, the in silico prediction for this alteration is inconclusive. Based on the available evidence, the clinical significance of this variant remains unclear.

Labcorp Genetics (formerly Invitae), Labcorp
Classification: Uncertain significance for Familial cancer of breast. Last evaluated: 2025-02-25. Review status: criteria provided, single submitter. Criteria: Invitae Variant Classification Sherloc (09022015). Collection method: clinical testing. Allele origin: germline.
Comment: This sequence change replaces glycine, which is neutral and non-polar, with cysteine, which is neutral and slightly polar, at codon 32 of the BARD1 protein (p.Gly32Cys). This variant is not present in population databases (gnomAD no frequency). This variant has not been reported in the literature in individuals affected with BARD1-related conditions. ClinVar contains an entry for this variant (Variation ID: 2115917). An algorithm developed to predict the effect of missense changes on protein structure and function (PolyPhen-2) suggests that this variant is likely to be disruptive. In summary, the available evidence is currently insufficient to determine the role of this variant in disease. Therefore, it has been classified as a Variant of Uncertain Significance.

NM_000465.4(BARD1):c.94G>T (p.Gly32Cys)

Gene: BARD1 (BRCA1 associated RING domain 1; minus strand). Cytogenetic location: 2q35.
Variant type: single nucleotide variant.
Coding change: c.94G>T on transcript NM_000465.4 (MANE Select); coding-DNA position 94, G replaced by T.
Protein change: p.Gly32Cys; replaces glycine 32 with cysteine.
Molecular consequence: missense variant. On other transcripts: non-coding transcript variant (3).
Genome position (GRCh38, 1-based): chr2:214,809,476, C>A on the plus strand (G>T on the coding strand, the complement: BARD1 is on the minus strand). VCF-style: chr2-214809476-C-A. GRCh37 (hg19) VCF-style: chr2-215674200-C-A.
Other names: c.94G>T (NM_000465.2); c.94G>T, p.Gly32Cys (NM_001282543.2, NM_001282545.2, NM_001282548.2 and 1 more transcripts); short protein forms G32C.
Identifiers: ClinVar variation 2115917 (VCV002115917.5), dbSNP rs1224914625, ClinGen allele CA350465066.